The following is an entry in ClinVar:

NM_003151.4(STAT4):c.1020C>A (p.Phe340Leu)

Gene: STAT4 (signal transducer and activator of transcription 4; minus strand). Cytogenetic location: 2q32.2.
Variant type: single nucleotide variant.
Coding change: c.1020C>A on transcript NM_003151.4 (MANE Select); coding-DNA position 1020, C replaced by A.
Protein change: p.Phe340Leu; replaces phenylalanine 340 with leucine.
Molecular consequence: missense variant.
Genome position (GRCh38, 1-based): chr2:191,061,743, G>T on the plus strand (C>A on the coding strand, the complement: STAT4 is on the minus strand). VCF-style: chr2-191061743-G-T. GRCh37 (hg19) VCF-style: chr2-191926469-G-T.
Other names: c.1020C>A (NM_003151.3); c.1020C>A, p.Phe340Leu (NM_001243835.2); short protein forms F340L.
Identifiers: ClinVar variation 1423404 (VCV001423404.9), dbSNP rs941296401, ClinGen allele CA62690937.

ClinVar aggregate classification (germline): Uncertain significance. Review status: criteria provided, multiple submitters, no conflicts (2 of 4 stars). 2 submissions from 2 submitters: Uncertain significance (2). Last evaluated 2023-06-20.

Conditions:
STAT4-related disorder. Also called: STAT4-related condition.

Allele frequency attached by ClinVar (database versions not stated): gnomAD exomes below 0.00001; TOPMed below 0.00001; gnomAD 0.00001.
gnomAD v4.1: 3 of 1,613,860 alleles (0.00019%); highest among the groups gnomAD compares: African/African-American, 0.0013%; no homozygotes.

Submissions (2):

PreventionGenetics, part of Exact Sciences
Classification: Uncertain significance for STAT4-related condition. Last evaluated: 2023-06-20. Review status: criteria provided, single submitter. Criteria: ACMG Guidelines, 2015. Collection method: clinical testing. Allele origin: germline.
Comment: The STAT4 c.1020C>A variant is predicted to result in the amino acid substitution p.Phe340Leu. To our knowledge, this variant has not been reported in the literature or in a large population database, indicating this variant is rare. At this time, the clinical significance of this variant is uncertain due to the absence of conclusive functional and genetic evidence.

Labcorp Genetics (formerly Invitae), Labcorp
Classification: Uncertain significance. Last evaluated: 2021-04-23. Review status: criteria provided, single submitter. Criteria: Invitae Variant Classification Sherloc (09022015). Collection method: clinical testing. Allele origin: germline.
Comment: This variant has not been reported in the literature in individuals with STAT4-related conditions. In summary, the available evidence is currently insufficient to determine the role of this variant in disease. Therefore, it has been classified as a Variant of Uncertain Significance. Algorithms developed to predict the effect of missense changes on protein structure and function are either unavailable or do not agree on the potential impact of this missense change (SIFT: "Deleterious"; PolyPhen-2: "Probably Damaging"; Align-GVGD: "Class C15"). This variant is not present in population databases (ExAC no frequency). This sequence change replaces phenylalanine with leucine at codon 340 of the STAT4 protein (p.Phe340Leu). The phenylalanine residue is highly conserved and there is a small physicochemical difference between phenylalanine and leucine.